The following is an entry in ClinVar:

ClinVar aggregate classification (germline): Benign/Likely benign. Review status: criteria provided, multiple submitters, no conflicts (2 of 4 stars). 11 submissions from 11 submitters: Benign (4); Likely benign (7). Last evaluated 2026-09-01.

Conditions:
Epidermolysis bullosa simplex with nail dystrophy (EBS5D). Identifiers: MedGen C4225309, MONDO:0014661, OMIM 616487.
Epidermolysis bullosa simplex 5C, with pyloric atresia (EBS5C). Also called: PLEC-Related Epidermolysis Bullosa with Pyloric Atresia; Epidermolysis bullosa simplex with pyloric atresia; PLEC1-Related Epidermolysis Bullosa with Pyloric Atresia. Identifiers: Orphanet 158684, MedGen C2677349, MONDO:0012807, OMIM 612138.
Epidermolysis bullosa simplex 5B, with muscular dystrophy (EBS5B). Also called: EPIDERMOLYSIS BULLOSA SIMPLEX AND LIMB-GIRDLE MUSCULAR DYSTROPHY; Epidermolysis bullosa simplex with muscular dystrophy. Identifiers: Orphanet 257, MedGen C2931072, MONDO:0009181, OMIM 226670.
Autosomal recessive limb-girdle muscular dystrophy type 2Q (LGMDR17). Also called: MUSCULAR DYSTROPHY, LIMB-GIRDLE, AUTOSOMAL RECESSIVE 17. Identifiers: Orphanet 254361, MedGen C3150989, MONDO:0013390, OMIM 613723.
Epidermolysis bullosa simplex, Ogna type (EBS5A). Also called: Pidermolysis bullosa simplex 5A, Ogna type; EPIDERMOLYSIS BULLOSA SIMPLEX 5A, OGNA TYPE. Identifiers: Orphanet 79401, MedGen C0432317, MONDO:0007555, OMIM 131950.

Allele frequency attached by ClinVar (database versions not stated): 1000 Genomes Project 30x 0.00281; gnomAD exomes 0.00793 and 0.00472; 1000 Genomes Project 0.00220; gnomAD 0.00491 and 0.00503; ExAC 0.00517; TOPMed 0.00551; ESP Exome Variant Server 0.00691.
gnomAD v4.1: 12,226 of 1,613,096 alleles (0.76%); highest among the groups gnomAD compares: Non-Finnish European, 0.95%; 49 homozygotes.

Submissions (11):

CeGaT Center for Human Genetics Tuebingen
Classification: Likely benign. Last evaluated: 2026-09-01. Review status: criteria provided, single submitter. Criteria: CeGaT Center For Human Genetics Tuebingen Variant Classification Criteria Version 2. Collection method: clinical testing. Allele origin: germline. Affected: yes. Observed: 27 variant alleles.
Comment: PLEC: BS2

Labcorp Genetics (formerly Invitae), Labcorp
Classification: Benign for Autosomal recessive limb-girdle muscular dystrophy type 2Q; Epidermolysis bullosa simplex, Ogna type; Epidermolysis bullosa simplex with nail dystrophy; Epidermolysis bullosa simplex 5C, with pyloric atresia; Epidermolysis bullosa simplex 5B, with muscular dystrophy. Last evaluated: 2026-02-01. Review status: criteria provided, single submitter. Criteria: Invitae Variant Classification Sherloc (09022015). Collection method: clinical testing. Allele origin: germline.

Blueprint Genetics
Classification: Likely benign. Last evaluated: 2024-11-21. Review status: criteria provided, single submitter. Criteria: ACMG Guidelines, 2015. Collection method: clinical testing. Allele origin: germline.

GeneDx
Classification: Likely benign. Last evaluated: 2021-03-15. Review status: criteria provided, single submitter. Criteria: GeneDx Variant Classification Process June 2021. Collection method: clinical testing. Allele origin: germline. Affected: yes.
Comment: This variant is associated with the following publications: (PMID: 29334134, 32707200)

Dubai Health Genomic Medicine Center, Dubai Health
Classification: Likely benign for Autosomal recessive limb-girdle muscular dystrophy type 2Q. Last evaluated: 2019-12-29. Review status: criteria provided, single submitter. Criteria: ACMG Guidelines, 2015. Collection method: clinical testing. Allele origin: germline. Affected: yes.

Athena Diagnostics
Classification: Benign. Last evaluated: 2018-12-26. Review status: criteria provided, single submitter. Criteria: Athena Diagnostics Criteria. Collection method: clinical testing. Allele origin: germline.

Mayo Clinic Laboratories, Mayo Clinic
Classification: Benign. Last evaluated: 2018-05-30. Review status: criteria provided, single submitter. Criteria: ACMG Guidelines, 2015. Collection method: clinical testing. Allele origin: germline. Observed: 21 variant alleles.

Genetic Services Laboratory, University of Chicago
Classification: Likely benign. Last evaluated: 2016-12-08. Review status: criteria provided, single submitter. Criteria: ACMG Guidelines, 2015. Collection method: clinical testing. Allele origin: germline. Affected: no.

Eurofins Ntd Llc (ga)
Classification: Benign. Last evaluated: 2016-06-17. Review status: criteria provided, single submitter. Criteria: EGL Classification Definitions 2015. Collection method: clinical testing. Allele origin: germline. Observed: 8 variant alleles, 8 heterozygotes.

Laboratory for Molecular Medicine, Mass General Brigham Personalized Medicine
Classification: Likely benign. Last evaluated: 2016-03-03. Review status: criteria provided, single submitter. Criteria: LMM Criteria. Collection method: clinical testing. Allele origin: germline. Observed: 1 variant allele.
Comment: p.Arg3446Cys in exon 32 of PLEC: This variant is not expected to have clinical s ignificance because it has been identified in 0.7% (513/64856) of European chrom osomes, including two homozygotes by the Exome Aggregation Consortium (ExAC; dbSNP rs77303974).

Breakthrough Genomics
Classification: Likely benign. Review status: criteria provided, single submitter. Criteria: ACMG Guidelines, 2015. Collection method: not provided. Allele origin: germline. Inheritance: Autosomal recessive inheritance. Affected: yes.

NM_201384.3(PLEC):c.9925C>T (p.Arg3309Cys)

Gene: PLEC (plectin; minus strand). Cytogenetic location: 8q24.3.
Variant type: single nucleotide variant.
Coding change: c.9925C>T on transcript NM_201384.3 (MANE Select); coding-DNA position 9925, C replaced by T.
Protein change: p.Arg3309Cys; replaces arginine 3309 with cysteine.
Molecular consequence: missense variant.
Genome position (GRCh38, 1-based): chr8:143,919,896, G>A on the plus strand (C>T on the coding strand, the complement: PLEC is on the minus strand). VCF-style: chr8-143919896-G-A. GRCh37 (hg19) VCF-style: chr8-144994064-G-A.
Other names: p.Arg3295Cys; c.10006C>T, p.Arg3336Cys (NM_000445.5); c.9883C>T, p.Arg3295Cys (NM_201378.4); c.9859C>T, p.Arg3287Cys (NM_201379.3); c.10336C>T, p.Arg3446Cys (NM_201380.4); c.9829C>T, p.Arg3277Cys (NM_201381.3); c.9925C>T, p.Arg3309Cys (NM_201382.4); c.9937C>T, p.Arg3313Cys (NM_201383.3); short protein forms R3277C, R3287C, R3295C, R3309C, R3313C, R3336C, R3446C.
Identifiers: ClinVar variation 93014 (VCV000093014.71), dbSNP rs77303974, ClinGen allele CA146178.